The following is an entry in ClinVar:

ClinVar aggregate classification (germline): Pathogenic (1 of 4 stars; one submission).

Submission:

Labcorp Genetics (formerly Invitae), Labcorp
Classification: Pathogenic. Last evaluated: 2023-11-11. Review status: criteria provided, single submitter. Criteria: Invitae Variant Classification Sherloc (09022015). Collection method: clinical testing. Allele origin: germline.
Comment: This sequence change creates a premature translational stop signal (p.Leu226*) in the NPHS2 gene. It is expected to result in an absent or disrupted protein product. Loss-of-function variants in NPHS2 are known to be pathogenic (PMID: 10742096, 14701729, 15253708, 23595123). This variant is not present in population databases (gnomAD no frequency). This variant has not been reported in the literature in individuals affected with NPHS2-related conditions. ClinVar contains an entry for this variant (Variation ID: 2025352). For these reasons, this variant has been classified as Pathogenic.

Literature cited by the submitters: PubMed 10742096; PubMed 14701729; PubMed 15253708; PubMed 23595123.

NM_014625.4(NPHS2):c.676del (p.Leu225_Leu226insTer)

Gene: NPHS2 (NPHS2 stomatin family member, podocin; minus strand). Cytogenetic location: 1q25.2.
Variant type: Deletion.
Coding change: c.676del on transcript NM_014625.4 (MANE Select); coding-DNA position 676, one base deleted (C; older notation c.676delC).
Protein change: p.Leu225_Leu226insTer.
Molecular consequence: nonsense. On other transcripts: intron variant (1).
Genome position (GRCh38, 1-based): chr1:179,557,089, G deleted on the plus strand (C on the coding strand, the reverse complement: NPHS2 is on the minus strand); the first of 2 consecutive G bases (chr1:179,557,089-179,557,090); deleting either gives the same sequence. VCF-style (leftmost placement, unchanged base first): chr1-179557088-AG-A. GRCh37 (hg19) VCF-style: chr1-179526223-AG-A.
Other names: c.535-2558del (NM_001297575.2).
Identifiers: ClinVar variation 2025352 (VCV002025352.4), dbSNP rs2526272763, ClinGen allele CA2580061530.